The following is an entry in ClinVar:

NM_004715.5(CTDP1):c.1443A>G (p.Lys481=)

Gene: CTDP1 (CTD phosphatase 1; plus strand). Cytogenetic location: 18q23.
Variant type: single nucleotide variant.
Coding change: c.1443A>G on transcript NM_004715.5 (MANE Select); coding-DNA position 1443, A replaced by G.
Protein change: p.Lys481=; no amino-acid change (lysine 481 retained).
Molecular consequence: synonymous variant.
Genome position (GRCh38, 1-based): chr18:79,714,903, A>G. VCF-style: chr18-79714903-A-G. GRCh37 (hg19) VCF-style: chr18-77474903-A-G.
Other names: c.1086A>G, p.Lys362= (NM_001202504.1); c.1443A>G, p.Lys481= (NM_001318511.2, NM_048368.4).
Identifiers: ClinVar variation 4980549 (VCV004980549.1).

ClinVar aggregate classification (germline): Likely benign (1 of 4 stars; one submission).

Conditions:
CTDP1-related disorder. Also called: CTDP1-related condition.

Submission:

PreventionGenetics, part of Exact Sciences
Classification: Likely benign for CTDP1-related condition. Last evaluated: 2025-02-14. Review status: criteria provided, single submitter. Criteria: ACMG Guidelines, 2015. Collection method: clinical testing. Allele origin: germline.
Comment: This variant is classified as likely benign based on ACMG/AMP sequence variant interpretation guidelines (Richards et al. 2015 PMID: 25741868, with internal and published modifications).